The following is an entry in ClinVar:

NM_000218.3(KCNQ1):c.744G>A (p.Trp248Ter)

Gene: KCNQ1 (potassium voltage-gated channel subfamily Q member 1; plus strand). Cytogenetic location: 11p15.5.
Variant type: single nucleotide variant.
Coding change: c.744G>A on transcript NM_000218.3 (MANE Select); coding-DNA position 744, G replaced by A.
Protein change: p.Trp248Ter; replaces tryptophan 248 with a stop codon.
Molecular consequence: nonsense. On other transcripts: intron variant (1).
Genome position (GRCh38, 1-based): chr11:2,572,073, G>A. VCF-style: chr11-2572073-G-A. GRCh37 (hg19) VCF-style: chr11-2593303-G-A.
Other names: c.744G>A, p.Trp248Ter (NM_001406836.1); c.474G>A, p.Trp158Ter (NM_001406837.1); c.363G>A, p.Trp121Ter (NM_181798.2); c.478-11362G>A (NM_001406838.1); short protein forms W121*, W158*, W248*.
Identifiers: ClinVar variation 3382790 (VCV003382790.3).

ClinVar aggregate classification (germline): Pathogenic (1 of 4 stars; one submission).

Conditions:
Atrial fibrillation, familial, 3 (ATFB3). Identifiers: MedGen C1837014, MONDO:0011857, OMIM 607554.
Short QT syndrome type 2. Identifiers: Orphanet 51083, MedGen C1865019, MONDO:0012313, OMIM 609621.
Long QT syndrome 1 (LQT1). Identifiers: Orphanet 101016, Orphanet 768, MedGen C4551647, MONDO:0100316, OMIM 192500, MONDO:0008646.
Jervell and Lange-Nielsen syndrome 1 (JLNS1). Also called: CARDIOAUDITORY SYNDROME OF JERVELL AND LANGE-NIELSEN; DEAFNESS, CONGENITAL, AND FUNCTIONAL HEART DISEASE; PROLONGED QT INTERVAL IN EKG AND SUDDEN DEATH; SURDO-CARDIAC SYNDROME. Identifiers: Orphanet 768, Orphanet 90647, MedGen C4551509, MONDO:0024540, OMIM 220400.

Submission:

Juno Genomics, Hangzhou Juno Genomics, Inc
Classification: Pathogenic for Long QT syndrome 1; Atrial fibrillation, familial, 3; Jervell and Lange-Nielsen syndrome 1; Short QT syndrome type 2. Review status: criteria provided, single submitter. Criteria: ACMG Guidelines, 2015. Collection method: clinical testing. Allele origin: germline.
Comment: Absent from controls (or at extremely low frequency if recessive) in Genome Aggregation Database.;Null variant in a gene where loss of function (LOF) is a known mechanism of disease.;The prevalence of the variant in affected individuals is significantly increased compared to the prevalence in controls.